The following is an entry in ClinVar:

NM_002067.5(GNA11):c.322G>T (p.Ala108Ser)

Gene: GNA11 (G protein subunit alpha 11; plus strand). Cytogenetic location: 19p13.3.
Variant type: single nucleotide variant.
Coding change: c.322G>T on transcript NM_002067.5 (MANE Select); coding-DNA position 322, G replaced by T.
Protein change: p.Ala108Ser; replaces alanine 108 with serine.
Molecular consequence: missense variant.
Genome position (GRCh38, 1-based): chr19:3,113,330, G>T. VCF-style: chr19-3113330-G-T. GRCh37 (hg19) VCF-style: chr19-3113328-G-T.
Other names: short protein forms A108S.
Identifiers: ClinVar variation 3716526 (VCV003716526.2).

ClinVar aggregate classification (germline): Uncertain significance (1 of 4 stars; one submission).

Submission:

Labcorp Genetics (formerly Invitae), Labcorp
Classification: Uncertain significance. Last evaluated: 2024-07-24. Review status: criteria provided, single submitter. Criteria: Invitae Variant Classification Sherloc (09022015). Collection method: clinical testing. Allele origin: germline.
Comment: This sequence change replaces alanine, which is neutral and non-polar, with serine, which is neutral and polar, at codon 108 of the GNA11 protein (p.Ala108Ser). This variant is not present in population databases (gnomAD no frequency). This variant has not been reported in the literature in individuals affected with GNA11-related conditions. An algorithm developed to predict the effect of missense changes on protein structure and function (PolyPhen-2) suggests that this variant is likely to be tolerated. Algorithms developed to predict the effect of sequence changes on RNA splicing suggest that this variant may disrupt the consensus splice site. In summary, the available evidence is currently insufficient to determine the role of this variant in disease. Therefore, it has been classified as a Variant of Uncertain Significance.